The following is an entry in ClinVar:

ClinVar aggregate classification (germline): Benign/Likely benign. Review status: criteria provided, multiple submitters, no conflicts (2 of 4 stars). 11 submissions from 11 submitters: Benign (6); Likely benign (3). 2 of the submissions do not count toward it. Last evaluated 2026-02-04.

Conditions:
Familial thoracic aortic aneurysm and aortic dissection (TAAD). Also called: Thoracic aortic aneurysms and dissections. Identifiers: Orphanet 91387, MedGen C4707243, MONDO:0019625.
Ehlers-Danlos syndrome (EDS). Identifiers: Orphanet 98249, MedGen C0013720, MONDO:0020066.
Ehlers-Danlos syndrome, kyphoscoliotic type 1 (EDSKSCL1). Also called: EHLERS-DANLOS SYNDROME, OCULAR-SCOLIOTIC TYPE; PLOD1-Related Kyphoscoliotic Ehlers-Danlos Syndrome; EHLERS-DANLOS SYNDROME, TYPE VIA; Ehlers-Danlos syndrome, hydroxylysine-deficient. Identifiers: Orphanet 1900, MedGen C0268342, MONDO:0016002, OMIM 225400. Disease mechanism: loss of function.

Allele frequency attached by ClinVar (database versions not stated): gnomAD exomes 0.00169; ExAC 0.00358; gnomAD 0.00633 and 0.00668; TOPMed 0.00739; ESP Exome Variant Server 0.00823; 1000 Genomes Project 0.00938; 1000 Genomes Project 30x 0.01015.
gnomAD v4.1: 1,926 of 1,605,070 alleles (0.12%); highest among the groups gnomAD compares: African/African-American, 2.2%; 12 homozygotes.

Submissions (11):

Labcorp Genetics (formerly Invitae), Labcorp
Classification: Benign for Ehlers-Danlos syndrome, kyphoscoliotic type 1. Last evaluated: 2026-02-04. Review status: criteria provided, single submitter. Criteria: Invitae Variant Classification Sherloc (09022015). Collection method: clinical testing. Allele origin: germline.

ARUP Laboratories, Molecular Genetics and Genomics, ARUP Laboratories
Classification: Benign for Ehlers-Danlos syndrome, kyphoscoliotic type 1. Last evaluated: 2023-10-19. Review status: criteria provided, single submitter. Criteria: ARUP Molecular Germline Variant Investigation Process 2024. Collection method: clinical testing. Allele origin: germline.

Women's Health and Genetics/Laboratory Corporation of America, LabCorp
Classification: Likely benign. Last evaluated: 2023-08-10. Review status: criteria provided, single submitter. Criteria: LabCorp Variant Classification Summary - May 2015. Collection method: clinical testing. Allele origin: germline.

Genome Diagnostics Laboratory, The Hospital for Sick Children
Classification: Benign for Ehlers-Danlos syndrome. Last evaluated: 2021-12-13. Review status: criteria provided, single submitter. Criteria: ACMG Guidelines, 2015. Collection method: clinical testing. Allele origin: germline.

Mayo Clinic Laboratories, Mayo Clinic
Classification: Benign. Last evaluated: 2021-10-22. Review status: criteria provided, single submitter. Criteria: ACMG Guidelines, 2015. Collection method: clinical testing. Allele origin: germline. Observed: 7 variant alleles.
Comment: BS1, BS2, BP4

GeneDx
Classification: Benign. Last evaluated: 2017-08-15. Review status: criteria provided, single submitter. Criteria: GeneDx Variant Classification (06012015). Collection method: clinical testing. Allele origin: germline. Affected: yes.
Comment: This variant is considered likely benign or benign based on one or more of the following criteria: it is a conservative change, it occurs at a poorly conserved position in the protein, it is predicted to be benign by multiple in silico algorithms, and/or has population frequency not consistent with disease.

Illumina Laboratory Services, Illumina
Classification: Likely benign for Ehlers-Danlos syndrome, kyphoscoliotic type 1. Last evaluated: 2017-04-27. Review status: criteria provided, single submitter. Criteria: ICSL Variant Classification Criteria 13 December 2019. Collection method: clinical testing. Allele origin: germline.
Comment: This variant was observed as part of a predisposition screen in an ostensibly healthy population. A literature search was performed for the gene, cDNA change, and amino acid change (where applicable). No publications were found based on this search. Allele frequency data from public databases allowed determination this variant is unlikely to cause disease. Therefore, this variant is classified as likely benign.

Ambry Genetics
Classification: Benign for Familial thoracic aortic aneurysm and aortic dissection. Last evaluated: 2015-02-11. Review status: criteria provided, single submitter. Criteria: Ambry Variant Classification Scheme 2023. Collection method: clinical testing. Allele origin: germline.

Breakthrough Genomics
Classification: Likely benign. Review status: criteria provided, single submitter. Criteria: ACMG Guidelines, 2015. Collection method: not provided. Allele origin: germline. Inheritance: Autosomal recessive inheritance. Affected: yes.

Genome Diagnostics Laboratory, Amsterdam University Medical Center
Classification: Benign. Review status: no assertion criteria provided. Collection method: clinical testing. Allele origin: germline. Affected: yes. Study: VKGL Data-share Consensus. Not counted in ClinVar's aggregate classification.

Laboratory of Diagnostic Genome Analysis, Leiden University Medical Center (LUMC)
Classification: Likely benign. Review status: no assertion criteria provided. Collection method: clinical testing. Allele origin: germline. Affected: yes. Study: VKGL Data-share Consensus. Not counted in ClinVar's aggregate classification.

NM_000302.4(PLOD1):c.1141G>A (p.Val381Met)

Gene: PLOD1 (procollagen-lysine,2-oxoglutarate 5-dioxygenase 1; plus strand). Cytogenetic location: 1p36.22.
Variant type: single nucleotide variant.
Coding change: c.1141G>A on transcript NM_000302.4 (MANE Select); coding-DNA position 1141, G replaced by A.
Protein change: p.Val381Met; replaces valine 381 with methionine.
Molecular consequence: missense variant.
Genome position (GRCh38, 1-based): chr1:11,963,575, G>A. VCF-style: chr1-11963575-G-A. GRCh37 (hg19) VCF-style: chr1-12023632-G-A.
Other names: p.Val381Met; c.1282G>A, p.Val428Met (NM_001316320.2); short protein forms V381M, V428M.
Identifiers: ClinVar variation 263885 (VCV000263885.35), dbSNP rs2230896, ClinGen allele CA598300.